The following is an entry in ClinVar:

ClinVar aggregate classification (germline): Uncertain significance (1 of 4 stars; one submission).

Conditions:
Gorlin syndrome. Also called: Basal cell nevus syndrome; Nevoid Basal Cell Carcinoma Syndrome. Identifiers: Orphanet 377, MedGen C0004779, MONDO:0007187.

Allele frequency attached by ClinVar (database versions not stated): TOPMed below 0.00001.

Submission:

Labcorp Genetics (formerly Invitae), Labcorp
Classification: Uncertain significance for Gorlin syndrome. Last evaluated: 2020-03-14. Review status: criteria provided, single submitter. Criteria: Invitae Variant Classification Sherloc (09022015). Collection method: clinical testing. Allele origin: germline.
Comment: In summary, the available evidence is currently insufficient to determine the role of this variant in disease. Therefore, it has been classified as a Variant of Uncertain Significance. Algorithms developed to predict the effect of missense changes on protein structure and function (SIFT, PolyPhen-2, Align-GVGD) all suggest that this variant is likely to be tolerated, but these predictions have not been confirmed by published functional studies and their clinical significance is uncertain. This variant has not been reported in the literature in individuals with PTCH1-related conditions. This variant is not present in population databases (ExAC no frequency). This sequence change replaces threonine with isoleucine at codon 544 of the PTCH1 protein (p.Thr544Ile). The threonine residue is moderately conserved and there is a moderate physicochemical difference between threonine and isoleucine.

NM_000264.5(PTCH1):c.1631C>T (p.Thr544Ile)

Gene: PTCH1 (patched 1; minus strand). Cytogenetic location: 9q22.32.
Variant type: single nucleotide variant.
Coding change: c.1631C>T on transcript NM_000264.5 (MANE Select); coding-DNA position 1631, C replaced by T.
Protein change: p.Thr544Ile; replaces threonine 544 with isoleucine.
Molecular consequence: missense variant. On other transcripts: non-coding transcript variant (1).
Genome position (GRCh38, 1-based): chr9:95,476,131, G>A on the plus strand (C>T on the coding strand, the complement: PTCH1 is on the minus strand). VCF-style: chr9-95476131-G-A. GRCh37 (hg19) VCF-style: chr9-98238413-G-A.
Other names: c.1433C>T, p.Thr478Ile (NM_001083602.3); c.1628C>T, p.Thr543Ile (NM_001083603.3); c.1178C>T, p.Thr393Ile (NM_001083604.3, NM_001083605.3, NM_001083606.3 and 1 more transcripts); c.1475C>T, p.Thr492Ile (NM_001354918.2); short protein forms T393I, T478I, T492I, T543I, T544I.
Identifiers: ClinVar variation 1037773 (VCV001037773.9), dbSNP rs1841014632, ClinGen allele CA374118067.